The following is an entry in ClinVar:

ClinVar aggregate classification (germline): Uncertain significance (1 of 4 stars; one submission).

Conditions:
Developmental and epileptic encephalopathy, 1 (DEE1). Also called: X-linked infantile spasms; West's syndrome; Tonic spasms with clustering, arrest of psychomotor development and hypsarrhythmia on EEG; X-Linked Infantile Spasm Syndrome; OHTAHARA SYNDROME, X-LINKED; Epileptic encephalopathy, early infantile, 1. Identifiers: MedGen C3463992, MONDO:0010632, OMIM 308350. Disease mechanism: loss of function.
Autosomal recessive spinocerebellar ataxia 12. Also called: SPINOCEREBELLAR ATAXIA WITH MENTAL RETARDATION AND EPILEPSY. Identifiers: Orphanet 284282, MedGen C3280452, MONDO:0013687, OMIM 614322.

gnomAD v4.1: 1 of 1,614,162 alleles (0.000062%); highest among the groups gnomAD compares: Non-Finnish European, 0.000085%; no homozygotes.

Submission:

Labcorp Genetics (formerly Invitae), Labcorp
Classification: Uncertain significance for Developmental and epileptic encephalopathy, 1; Autosomal recessive spinocerebellar ataxia 12. Last evaluated: 2022-06-24. Review status: criteria provided, single submitter. Criteria: Invitae Variant Classification Sherloc (09022015). Collection method: clinical testing. Allele origin: germline.
Comment: In summary, the available evidence is currently insufficient to determine the role of this variant in disease. Therefore, it has been classified as a Variant of Uncertain Significance. Variants that disrupt the consensus splice site are a relatively common cause of aberrant splicing (PMID: 17576681, 9536098). Algorithms developed to predict the effect of sequence changes on RNA splicing suggest that this variant is not likely to affect RNA splicing. This variant has not been reported in the literature in individuals affected with WWOX-related conditions. This variant is not present in population databases (gnomAD no frequency). This sequence change falls in intron 4 of the WWOX gene. It does not directly change the encoded amino acid sequence of the WWOX protein. It affects a nucleotide within the consensus splice site.

Literature cited by the submitters: PubMed 17576681; PubMed 9536098.

NM_016373.4(WWOX):c.409+6C>T

Gene: WWOX (WW domain containing oxidoreductase; plus strand). Cytogenetic location: 16q23.1.
Variant type: single nucleotide variant.
Coding change: c.409+6C>T on transcript NM_016373.4 (MANE Select); 6 bases into the intron after coding-DNA position 409, C replaced by T.
Molecular consequence: intron variant.
Genome position (GRCh38, 1-based): chr16:78,115,160, C>T. VCF-style: chr16-78115160-C-T. GRCh37 (hg19) VCF-style: chr16-78149057-C-T.
Other names: c.70+6C>T (NM_001291997.2); c.409+6C>T (NM_130791.5).
Identifiers: ClinVar variation 1961637 (VCV001961637.5), dbSNP rs780224603, ClinGen allele CA724283950.